The following is an entry in ClinVar:

NM_053025.4(MYLK):c.4415C>A (p.Ser1472Tyr)

Gene: MYLK (myosin light chain kinase; minus strand). Cytogenetic location: 3q21.1.
Variant type: single nucleotide variant.
Coding change: c.4415C>A on transcript NM_053025.4 (MANE Select); coding-DNA position 4415, C replaced by A.
Protein change: p.Ser1472Tyr; replaces serine 1472 with tyrosine.
Molecular consequence: missense variant.
Genome position (GRCh38, 1-based): chr3:123,648,971, G>T on the plus strand (C>A on the coding strand, the complement: MYLK is on the minus strand). VCF-style: chr3-123648971-G-T. GRCh37 (hg19) VCF-style: chr3-123367818-G-T.
Other names: c.4415C>A (NM_053025.3); c.3887C>A, p.Ser1296Tyr (NM_001321309.2); c.4208C>A, p.Ser1403Tyr (NM_053026.4, NM_053028.4); c.4415C>A, p.Ser1472Tyr (NM_053027.4); short protein forms S1403Y, S1296Y, S1472Y.
Identifiers: ClinVar variation 2138934 (VCV002138934.5), dbSNP rs773996829, ClinGen allele CA354227411.

ClinVar aggregate classification (germline): Uncertain significance. Review status: criteria provided, multiple submitters, no conflicts (2 of 4 stars). 2 submissions from 2 submitters: Uncertain significance (2). Last evaluated 2025-11-25.

Conditions:
Aortic aneurysm, familial thoracic 7 (AAT7). Also called: AORTIC DISSECTION, FAMILIAL, WITH OR WITHOUT AORTIC ANEURYSM. Identifiers: MedGen C3151077, MONDO:0013418, OMIM 613780.

gnomAD v4.1: 6 of 1,613,788 alleles (0.00037%); highest among the groups gnomAD compares: Non-Finnish European, 0.00051%; no homozygotes.

Submissions (2):

Labcorp Genetics (formerly Invitae), Labcorp
Classification: Uncertain significance for Aortic aneurysm, familial thoracic 7. Last evaluated: 2025-11-25. Review status: criteria provided, single submitter. Criteria: Invitae Variant Classification Sherloc (09022015). Collection method: clinical testing. Allele origin: germline.
Comment: This sequence change replaces serine, which is neutral and polar, with tyrosine, which is neutral and polar, at codon 1472 of the MYLK protein (p.Ser1472Tyr). This variant is not present in population databases (gnomAD no frequency). This variant has not been reported in the literature in individuals affected with MYLK-related conditions. ClinVar contains an entry for this variant (Variation ID: 2138934). An algorithm developed to predict the effect of missense changes on protein structure and function (PolyPhen-2) suggests that this variant is likely to be disruptive. In summary, the available evidence is currently insufficient to determine the role of this variant in disease. Therefore, it has been classified as a Variant of Uncertain Significance.

GeneDx
Classification: Uncertain significance. Last evaluated: 2024-04-18. Review status: criteria provided, single submitter. Criteria: GeneDx Variant Classification Process June 2021. Collection method: clinical testing. Allele origin: germline. Affected: yes.
Comment: Not observed at significant frequency in large population cohorts (gnomAD); In silico analysis supports that this missense variant has a deleterious effect on protein structure/function; Has not been previously published as pathogenic or benign to our knowledge